The following is an entry in ClinVar:

NM_001110556.2(FLNA):c.142A>C (p.Thr48Pro)

Gene: FLNA (filamin A; minus strand). Cytogenetic location: Xq28.
Variant type: single nucleotide variant.
Coding change: c.142A>C on transcript NM_001110556.2 (MANE Select); coding-DNA position 142, A replaced by C.
Protein change: p.Thr48Pro; replaces threonine 48 with proline.
Molecular consequence: missense variant.
Genome position (GRCh38, 1-based): chrX:154,371,104, T>G on the plus strand (A>C on the coding strand, the complement: FLNA is on the minus strand). VCF-style: chrX-154371104-T-G. GRCh37 (hg19) VCF-style: chrX-153599472-T-G.
Other names: c.142A>C, p.Thr48Pro (NM_001456.4); short protein forms T48P.
Identifiers: ClinVar variation 2001933 (VCV002001933.4), dbSNP rs2522771740, ClinGen allele CA415255357.

ClinVar aggregate classification (germline): Uncertain significance (1 of 4 stars; one submission).

Conditions:
Oto-palato-digital syndrome, type II (OPD2). Also called: FACIOPALATOOSSEOUS SYNDROME; OPD II SYNDROME; Otopalatodigital Syndrome Type 2 (FLNA-OPD2); Otopalatodigital Syndrome, Type II. Identifiers: Orphanet 669, Orphanet 90652, MedGen C1844696, MONDO:0010571, OMIM 304120.
Melnick-Needles syndrome (MNS). Also called: MELNICK-NEEDLES OSTEODYSPLASTY; OSTEODYSPLASTY OF MELNICK AND NEEDLES; Melnick-Needles Syndrome (FLNA-MNS). Identifiers: Orphanet 2484, MedGen C0025237, MONDO:0010650, OMIM 309350.
Frontometaphyseal dysplasia (FMD1). Identifiers: Orphanet 1826, MedGen C0265293, MONDO:0015942.
Heterotopia, periventricular, X-linked dominant (PVNH1). Also called: PERIVENTRICULAR NODULAR HETEROTOPIA 1; X-linked periventricular heterotopia; PERIVENTRICULAR NODULAR HETEROTOPIA 4; HETEROTOPIA, PERIVENTRICULAR, 1. Identifiers: Orphanet 2149, Orphanet 82004, MedGen C1848213, MONDO:0010233, OMIM 300049.

Submission:

Labcorp Genetics (formerly Invitae), Labcorp
Classification: Uncertain significance for Oto-palato-digital syndrome, type II; Heterotopia, periventricular, X-linked dominant; Frontometaphyseal dysplasia; Melnick-Needles syndrome. Last evaluated: 2022-06-02. Review status: criteria provided, single submitter. Criteria: Invitae Variant Classification Sherloc (09022015). Collection method: clinical testing. Allele origin: germline.
Comment: In summary, the available evidence is currently insufficient to determine the role of this variant in disease. Therefore, it has been classified as a Variant of Uncertain Significance. Advanced modeling of protein sequence and biophysical properties (such as structural, functional, and spatial information, amino acid conservation, physicochemical variation, residue mobility, and thermodynamic stability) performed at Invitae indicates that this missense variant is not expected to disrupt FLNA protein function. This variant has not been reported in the literature in individuals affected with FLNA-related conditions. This variant is not present in population databases (gnomAD no frequency). This sequence change replaces threonine, which is neutral and polar, with proline, which is neutral and non-polar, at codon 48 of the FLNA protein (p.Thr48Pro).